The following is an entry in ClinVar:

ClinVar aggregate classification (germline): Pathogenic (1 of 4 stars; one submission).

Conditions:
Early-infantile DEE. Also called: Ohtahara syndrome; Early infantile epileptic encephalopathy; Early infantile epileptic encephalopathy with suppression bursts. Identifiers: Orphanet 1934, MedGen C0393706, MONDO:0800491.

Submission:

Labcorp Genetics (formerly Invitae), Labcorp
Classification: Pathogenic for Early-infantile DEE. Last evaluated: 2024-09-11. Review status: criteria provided, single submitter. Criteria: Invitae Variant Classification Sherloc (09022015). Collection method: clinical testing. Allele origin: germline.
Comment: This sequence change replaces serine, which is neutral and polar, with proline, which is neutral and non-polar, at codon 44 of the GNAO1 protein (p.Ser44Pro). This variant is not present in population databases (gnomAD no frequency). This missense change has been observed in individual(s) with clinical features of GNAO1-related conditions (internal data). In at least one individual the variant was observed to be de novo. Invitae Evidence Modeling of protein sequence and biophysical properties (such as structural, functional, and spatial information, amino acid conservation, physicochemical variation, residue mobility, and thermodynamic stability) indicates that this missense variant is expected to disrupt GNAO1 protein function with a positive predictive value of 95%. For these reasons, this variant has been classified as Pathogenic.

NM_020988.3(GNAO1):c.130T>C (p.Ser44Pro)

Gene: GNAO1 (G protein subunit alpha o1; plus strand). Cytogenetic location: 16q13.
Variant type: single nucleotide variant.
Coding change: c.130T>C on transcript NM_020988.3 (MANE Select); coding-DNA position 130, T replaced by C.
Protein change: p.Ser44Pro; replaces serine 44 with proline.
Molecular consequence: missense variant.
Genome position (GRCh38, 1-based): chr16:56,192,585, T>C. VCF-style: chr16-56192585-T-C. GRCh37 (hg19) VCF-style: chr16-56226497-T-C.
Other names: c.130T>C, p.Ser44Pro (NM_138736.3); short protein forms S44P.
Identifiers: ClinVar variation 3662712 (VCV003662712.2).